The following is an entry in ClinVar:

NM_015158.5(KANK1):c.4000A>T (p.Thr1334Ser)

Gene: KANK1 (KN motif and ankyrin repeat domains 1; plus strand). Cytogenetic location: 9p24.3.
Variant type: single nucleotide variant.
Coding change: c.4000A>T on transcript NM_015158.5 (MANE Select); coding-DNA position 4000, A replaced by T.
Protein change: p.Thr1334Ser; replaces threonine 1334 with serine.
Molecular consequence: missense variant. On other transcripts: non-coding transcript variant (1).
Genome position (GRCh38, 1-based): chr9:745,176, A>T. VCF-style: chr9-745176-A-T. GRCh37 (hg19) VCF-style: chr9-745176-A-T.
Other names: c.4000A>T, p.Thr1334Ser (NM_001256876.3, NM_001256877.3, NM_001354334.2 and 1 more transcripts); c.3760A>T, p.Thr1254Ser (NM_001354331.2); c.3946A>T, p.Thr1316Ser (NM_001354332.2); c.3526A>T, p.Thr1176Ser (NM_001354333.2, NM_001354335.2, NM_001354337.2 and 2 more transcripts); c.3232A>T, p.Thr1078Ser (NM_001354336.2, NM_001438411.1); c.3472A>T, p.Thr1158Ser (NM_001354338.2, NM_001354340.2, NM_001354344.2); c.3286A>T, p.Thr1096Ser (NM_001354339.2, NM_001354342.2, NM_001354343.2); short protein forms T1096S, T1158S, T1078S, T1334S, T1176S, T1254S, T1316S.
Identifiers: ClinVar variation 4775062 (VCV004775062.1).

ClinVar aggregate classification (germline): Uncertain significance (1 of 4 stars; one submission).

gnomAD v4.1: 2 of 1,613,520 alleles (0.00012%); highest among the groups gnomAD compares: Admixed American, 0.0017%; no homozygotes.

Submission:

Labcorp Genetics (formerly Invitae), Labcorp
Classification: Uncertain significance. Last evaluated: 2025-07-03. Review status: criteria provided, single submitter. Criteria: Invitae Variant Classification Sherloc (09022015). Collection method: clinical testing. Allele origin: germline.
Comment: This sequence change replaces threonine, which is neutral and polar, with serine, which is neutral and polar, at codon 1334 of the KANK1 protein (p.Thr1334Ser). This variant is present in population databases (no rsID available, gnomAD 0.003%). This variant has not been reported in the literature in individuals affected with KANK1-related conditions. An algorithm developed to predict the effect of missense changes on protein structure and function (PolyPhen-2) suggests that this variant is likely to be tolerated. In summary, the available evidence is currently insufficient to determine the role of this variant in disease. Therefore, it has been classified as a Variant of Uncertain Significance.